The following is an entry in ClinVar:

NM_032634.4(PIGO):c.297C>T (p.Pro99=)

Gene: PIGO (phosphatidylinositol glycan anchor biosynthesis class O; minus strand). Cytogenetic location: 9p13.3.
Variant type: single nucleotide variant.
Coding change: c.297C>T on transcript NM_032634.4 (MANE Select); coding-DNA position 297, C replaced by T.
Protein change: p.Pro99=; no amino-acid change (proline 99 retained).
Molecular consequence: synonymous variant.
Genome position (GRCh38, 1-based): chr9:35,095,269, G>A on the plus strand (C>T on the coding strand, the complement: PIGO is on the minus strand). VCF-style: chr9-35095269-G-A. GRCh37 (hg19) VCF-style: chr9-35095266-G-A.
Other names: c.297C>T, p.Pro99= (NM_001201484.2, NM_152850.4).
Identifiers: ClinVar variation 2852515 (VCV002852515.4), dbSNP rs1829616807, ClinGen allele CA464604452.

ClinVar aggregate classification (germline): Likely benign. Review status: criteria provided, multiple submitters, no conflicts (2 of 4 stars). 2 submissions from 2 submitters: Likely benign (2). Last evaluated 2026-07-01.

Conditions:
Hyperphosphatasia with impaired intellectual development syndrome 2. Also called: GLYCOSYLPHOSPHATIDYLINOSITOL BIOSYNTHESIS DEFECT 6; Hyperphosphatasia with intellectual disability syndrome 2. Identifiers: Orphanet 247262, MedGen C3553637, MONDO:0013882, OMIM 614749.

Allele frequency attached by ClinVar (database versions not stated): TOPMed below 0.00001; gnomAD exomes 0.00001.

Submissions (2):

CeGaT Center for Human Genetics Tuebingen
Classification: Likely benign. Last evaluated: 2026-07-01. Review status: criteria provided, single submitter. Criteria: CeGaT Center For Human Genetics Tuebingen Variant Classification Criteria Version 2. Collection method: clinical testing. Allele origin: germline. Affected: yes. Observed: 1 variant allele.
Comment: PIGO: BP4, BP7

Labcorp Genetics (formerly Invitae), Labcorp
Classification: Likely benign for Hyperphosphatasia with impaired intellectual development syndrome 2. Last evaluated: 2023-04-06. Review status: criteria provided, single submitter. Criteria: Invitae Variant Classification Sherloc (09022015). Collection method: clinical testing. Allele origin: germline.